The following is an entry in ClinVar:

ClinVar aggregate classification (germline): Uncertain significance (1 of 4 stars; one submission).

Allele frequency attached by ClinVar (database versions not stated): ExAC 0.00001; gnomAD 0.00001; 1000 Genomes Project 30x 0.00016; 1000 Genomes Project 0.00020.
gnomAD v4.1: 2 of 1,614,196 alleles (0.00012%); highest among the groups gnomAD compares: South Asian, 0.0011%; no homozygotes.

Submission:

Labcorp Genetics (formerly Invitae), Labcorp
Classification: Uncertain significance. Last evaluated: 2022-03-18. Review status: criteria provided, single submitter. Criteria: Invitae Variant Classification Sherloc (09022015). Collection method: clinical testing. Allele origin: germline.
Comment: This sequence change replaces proline, which is neutral and non-polar, with serine, which is neutral and polar, at codon 2366 of the IGSF10 protein (p.Pro2366Ser). This variant is present in population databases (rs555135512, gnomAD 0.003%). This variant has not been reported in the literature in individuals affected with IGSF10-related conditions. Algorithms developed to predict the effect of missense changes on protein structure and function are either unavailable or do not agree on the potential impact of this missense change (SIFT: "Tolerated"; PolyPhen-2: "Possibly Damaging"; Align-GVGD: "Class C0"). In summary, the available evidence is currently insufficient to determine the role of this variant in disease. Therefore, it has been classified as a Variant of Uncertain Significance.

NM_178822.5(IGSF10):c.7096C>T (p.Pro2366Ser)

Gene: IGSF10 (immunoglobulin superfamily member 10; minus strand). Cytogenetic location: 3q25.1.
Variant type: single nucleotide variant.
Coding change: c.7096C>T on transcript NM_178822.5 (MANE Select); coding-DNA position 7096, C replaced by T.
Protein change: p.Pro2366Ser; replaces proline 2366 with serine.
Molecular consequence: missense variant.
Genome position (GRCh38, 1-based): chr3:151,437,465, G>A on the plus strand (C>T on the coding strand, the complement: IGSF10 is on the minus strand). VCF-style: chr3-151437465-G-A. GRCh37 (hg19) VCF-style: chr3-151155253-G-A.
Other names: c.1033C>T, p.Pro345Ser (NM_001178145.3, NM_001178146.3); c.7096C>T, p.Pro2366Ser (NM_001385060.1, NM_001385061.1, NM_001385062.1 and 1 more transcripts); short protein forms P2366S, P345S.
Identifiers: ClinVar variation 2421603 (VCV002421603.6), dbSNP rs555135512, ClinGen allele CA2669377.